The following is an entry in ClinVar:

ClinVar aggregate classification (germline): Uncertain significance (1 of 4 stars; one submission).

Conditions:
Polyhydramnios, megalencephaly, and symptomatic epilepsy (PMSE). Also called: PMSE SYNDROME. Identifiers: Orphanet 500533, MedGen C1970203, MONDO:0012611, OMIM 611087.

Submission:

Labcorp Genetics (formerly Invitae), Labcorp
Classification: Uncertain significance for Polyhydramnios, megalencephaly, and symptomatic epilepsy. Last evaluated: 2019-08-21. Review status: criteria provided, single submitter. Criteria: Invitae Variant Classification Sherloc (09022015). Collection method: clinical testing. Allele origin: germline.
Comment: This variant is a gross duplication of the genomic region encompassing exons 2-3 of the STRADA gene. The 5' end of this event is unknown as it extends beyond the assayed region for this gene and therefore may encompass additional genes. The 3' boundary is likely confined to intron 3 of the STRADA gene. The exact location of this variant in the genome is unknown. This variant has not been reported in the literature in individuals with STRADA-related disease. In summary, the available evidence is currently insufficient to determine the role of this variant in disease. Therefore, it has been classified as a Variant of Uncertain Significance.

NC_000017.10:g.(?_61803978)_(61805749_?)dup

Gene: STRADA (STE20 related adaptor alpha; minus strand). Cytogenetic location: 17q23.3.
Variant type: Duplication.
Identifiers: ClinVar variation 536766 (VCV000536766.2).